The following is an entry in ClinVar:

NM_199242.3(UNC13D):c.154-8T>A

Gene: UNC13D (unc-13 homolog D; minus strand). Cytogenetic location: 17q25.1.
Variant type: single nucleotide variant.
Coding change: c.154-8T>A on transcript NM_199242.3 (MANE Select); 8 bases into the intron before coding-DNA position 154, T replaced by A.
Molecular consequence: intron variant.
Genome position (GRCh38, 1-based): chr17:75,843,274, A>T on the plus strand (T>A on the coding strand, the complement: UNC13D is on the minus strand). VCF-style: chr17-75843274-A-T. GRCh37 (hg19) VCF-style: chr17-73839355-A-T.
Identifiers: ClinVar variation 709297 (VCV000709297.18), dbSNP rs369433391, ClinGen allele CA8773596.

ClinVar aggregate classification (germline): Benign/Likely benign. Review status: criteria provided, multiple submitters, no conflicts (2 of 4 stars). 4 submissions from 4 submitters: Benign (1); Likely benign (2). 1 of the submissions does not count toward it. Last evaluated 2026-02-04.

Conditions:
Familial hemophagocytic lymphohistiocytosis 3 (FHL3). Also called: UNC13D-Related Familial Hemophagocytic Lymphohistiocytosis (UNC13D-fHLH). Identifiers: Orphanet 540, MedGen C1837174, MONDO:0012146, OMIM 608898.
UNC13D-related disorder. Also called: UNC13D-related condition.
Autoinflammatory syndrome. Identifiers: Orphanet 93665, MedGen C3890737, MONDO:0019751.

Allele frequency attached by ClinVar (database versions not stated): ESP Exome Variant Server 0.00008; gnomAD 0.00009 and 0.00054; TOPMed 0.00019; gnomAD exomes 0.00265; ExAC 0.00298; 1000 Genomes Project 0.00339; 1000 Genomes Project 30x 0.00359.
gnomAD v4.1: 1,767 of 1,605,134 alleles (0.11%); highest among the groups gnomAD compares: South Asian, 1.7%; 31 homozygotes.

Submissions (4):

Labcorp Genetics (formerly Invitae), Labcorp
Classification: Benign for Familial hemophagocytic lymphohistiocytosis 3. Last evaluated: 2026-02-04. Review status: criteria provided, single submitter. Criteria: Invitae Variant Classification Sherloc (09022015). Collection method: clinical testing. Allele origin: germline.

Genome Diagnostics Laboratory, The Hospital for Sick Children
Classification: Likely benign for Autoinflammatory syndrome. Last evaluated: 2022-02-23. Review status: criteria provided, single submitter. Criteria: ACMG Guidelines, 2015. Collection method: clinical testing. Allele origin: germline. Affected: yes.

Illumina Laboratory Services, Illumina
Classification: Likely benign for Familial hemophagocytic lymphohistiocytosis 3. Last evaluated: 2018-01-12. Review status: criteria provided, single submitter. Criteria: ICSL Variant Classification Criteria 13 December 2019. Collection method: clinical testing. Allele origin: germline.
Comment: This variant was observed in the ICSL laboratory as part of a predisposition screen in an ostensibly healthy population. It had not been previously curated by ICSL or reported in the Human Gene Mutation Database (HGMD: prior to June 1st, 2018), and was therefore a candidate for classification through an automated scoring system. Utilizing variant allele frequency, disease prevalence and penetrance estimates, and inheritance mode, an automated score was calculated to assess if this variant is too frequent to cause the disease. Based on the score and internal cut-off values, a variant classified as likely benign is not then subjected to further curation. The score for this variant resulted in a classification of likely benign for this disease.

PreventionGenetics, part of Exact Sciences
Classification: Likely benign for UNC13D-related condition. Last evaluated: 2024-04-12. Review status: no assertion criteria provided. Collection method: clinical testing. Allele origin: germline. Not counted in ClinVar's aggregate classification.
Comment: This variant is classified as likely benign based on ACMG/AMP sequence variant interpretation guidelines (Richards et al. 2015 PMID: 25741868, with internal and published modifications).